The following is an entry in ClinVar:

NM_001184880.2(PCDH19):c.1012G>T (p.Asp338Tyr)

Gene: PCDH19 (protocadherin 19; minus strand). Cytogenetic location: Xq22.1.
Variant type: single nucleotide variant.
Coding change: c.1012G>T on transcript NM_001184880.2 (MANE Select); coding-DNA position 1012, G replaced by T.
Protein change: p.Asp338Tyr; replaces aspartic acid 338 with tyrosine.
Molecular consequence: missense variant.
Genome position (GRCh38, 1-based): chrX:100,407,586, C>A on the plus strand (G>T on the coding strand, the complement: PCDH19 is on the minus strand). VCF-style: chrX-100407586-C-A. GRCh37 (hg19) VCF-style: chrX-99662584-C-A.
Other names: c.1012G>T, p.Asp338Tyr (NM_001105243.2, NM_020766.3); short protein forms D338Y.
Identifiers: ClinVar variation 1433591 (VCV001433591.8), dbSNP rs2147539946, ClinGen allele CA414004753.
Genomic context (GRCh38, chrX:100,407,586, plus strand): 5'-CCTCCACAAGCTCACTGTTGACTGACAGCAGGTTGATGACCGGCGGATTGTCATTGGTGT[C>A]CAGCACGCTGACGGTGACCTTGCAGTGTGCCGGGATGGAATTGGGCCCCAAGTCCTTAGC-3'
Protein context (NP_001171809.1, residues 328-348): AHCKVTVSVL[Asp338Tyr]TNDNPPVINL

ClinVar aggregate classification (germline): Uncertain significance (1 of 4 stars; one submission).

Conditions:
Developmental and epileptic encephalopathy, 9 (DEE9). Also called: EPILEPSY, FEMALE-RESTRICTED, WITH MENTAL RETARDATION; JUBERG-HELLMAN SYNDROME; PCDH19-Related X-Linked Female-Limited Epilepsy with Mental Retardation; Early infantile epileptic encephalopathy 9. Identifiers: Orphanet 101039, Orphanet 2076, MedGen C1848137, MONDO:0010246, OMIM 300088. Disease mechanism: loss of function.

Submission:

Labcorp Genetics (formerly Invitae), Labcorp
Classification: Uncertain significance for Developmental and epileptic encephalopathy, 9. Last evaluated: 2022-09-06. Review status: criteria provided, single submitter. Criteria: Invitae Variant Classification Sherloc (09022015). Collection method: clinical testing. Allele origin: germline.
Comment: In summary, the available evidence is currently insufficient to determine the role of this variant in disease. Therefore, it has been classified as a Variant of Uncertain Significance. Advanced modeling of protein sequence and biophysical properties (such as structural, functional, and spatial information, amino acid conservation, physicochemical variation, residue mobility, and thermodynamic stability) performed at Invitae indicates that this missense variant is expected to disrupt PCDH19 protein function. ClinVar contains an entry for this variant (Variation ID: 1433591). This variant has not been reported in the literature in individuals affected with PCDH19-related conditions. This variant is not present in population databases (gnomAD no frequency). This sequence change replaces aspartic acid, which is acidic and polar, with tyrosine, which is neutral and polar, at codon 338 of the PCDH19 protein (p.Asp338Tyr).